The following is an entry in ClinVar:

NM_033380.3(COL4A5):c.2105G>T (p.Gly702Val)

Gene: COL4A5 (collagen type IV alpha 5 chain; plus strand). Cytogenetic location: Xq22.3.
Variant type: single nucleotide variant.
Coding change: c.2105G>T on transcript NM_033380.3 (MANE Select); coding-DNA position 2105, G replaced by T.
Protein change: p.Gly702Val; replaces glycine 702 with valine.
Molecular consequence: missense variant.
Genome position (GRCh38, 1-based): chrX:108,601,948, G>T. VCF-style: chrX-108601948-G-T. GRCh37 (hg19) VCF-style: chrX-107845178-G-T.
Other names: c.2105G>T, p.Gly702Val (NM_000495.5); short protein forms G702V.
Identifiers: ClinVar variation 2817989 (VCV002817989.4), dbSNP rs2524328777, ClinGen allele CA413847025.
Genomic context (GRCh38, chrX:108,601,948, plus strand): 5'-ACCCTGGACTTCCAGGGCAACCAGGCTTGCCAGGGATACCTGGTAGCAAAGGAGAACCAG[G>T]TATCCCTGGAATTGGGCTTCCTGGACCACCTGGTCCCAAAGGTATGTTGGAATGGGTAGC-3'
Protein context (NP_203699.1, residues 692-712): PGIPGSKGEP[Gly702Val]IPGIGLPGPP

ClinVar aggregate classification (germline): Conflicting classifications of pathogenicity. Review status: criteria provided, conflicting classifications (1 of 4 stars). 2 submissions from 2 submitters: Likely pathogenic (1); Uncertain significance (1). Last evaluated 2024-05-28.

Conditions:
X-linked Alport syndrome (ATS1). Also called: COL4A5-Related Nephropathy; NEPHROPATHY AND DEAFNESS, X-LINKED. Identifiers: Orphanet 63, Orphanet 88917, MedGen C4746986, MONDO:0010520, OMIM 301050.

Submissions (2):

Fulgent Genetics
Classification: Likely pathogenic for X-linked Alport syndrome. Last evaluated: 2024-05-28. Review status: criteria provided, single submitter. Criteria: ACMG Guidelines, 2015. Collection method: clinical testing. Allele origin: germline.

Labcorp Genetics (formerly Invitae), Labcorp
Classification: Uncertain significance. Last evaluated: 2022-12-02. Review status: criteria provided, single submitter. Criteria: Invitae Variant Classification Sherloc (09022015). Collection method: clinical testing. Allele origin: germline.
Comment: This sequence change replaces glycine, which is neutral and non-polar, with valine, which is neutral and non-polar, at codon 702 of the COL4A5 protein (p.Gly702Val). This variant is not present in population databases (gnomAD no frequency). This variant has not been reported in the literature in individuals affected with COL4A5-related conditions. Advanced modeling of protein sequence and biophysical properties (such as structural, functional, and spatial information, amino acid conservation, physicochemical variation, residue mobility, and thermodynamic stability) performed at Invitae indicates that this missense variant is expected to disrupt COL4A5 protein function. In summary, the available evidence is currently insufficient to determine the role of this variant in disease. Therefore, it has been classified as a Variant of Uncertain Significance.